The following is an entry in ClinVar:

ClinVar aggregate classification (germline): Uncertain significance (1 of 4 stars; one submission).

Conditions:
Hereditary breast ovarian cancer syndrome. Also called: Hereditary breast and ovarian cancer syndrome (HBOC); Hereditary breast and ovarian cancer syndrome; Breast and ovarian cancer; Hereditary breast and/or ovarian cancer syndrome; Hereditary breast and ovarian cancer; BRCA1- and BRCA2-Associated Hereditary Breast and Ovarian Cancer. Identifiers: Orphanet 145, MedGen C0677776, MeSH D061325, MONDO:0003582. Disease mechanism: loss of function.

Allele frequency attached by ClinVar (database versions not stated): gnomAD exomes below 0.00001.
gnomAD v4.1: 1 of 1,614,218 alleles (0.000062%); highest among the groups gnomAD compares: Non-Finnish European, 0.000085%; no homozygotes.

Submission:

Labcorp Genetics (formerly Invitae), Labcorp
Classification: Uncertain significance for Hereditary breast ovarian cancer syndrome. Last evaluated: 2017-02-10. Review status: criteria provided, single submitter. Criteria: Invitae Variant Classification Sherloc (09022015). Collection method: clinical testing. Allele origin: germline.
Comment: In summary, this variant is a rare missense change with uncertain impact on protein function. It has been classified as a Variant of Uncertain Significance. This variant is not present in population databases (ExAC no frequency) and has not been reported in the literature in individuals with a BRCA2-related disease. This variant has been reported in individuals in the Leiden Open-source Variation Database (PMID: 21520333). Algorithms developed to predict the effect of missense changes on protein structure and function (SIFT, PolyPhen-2, Align-GVGD) all suggest that this variant is likely to be disruptive, but these predictions have not been confirmed by published functional studies. This sequence change replaces valine with glycine at codon 2503 of the BRCA2 protein (p.Val2503Gly). The valine residue is weakly conserved and there is a moderate physicochemical difference between valine and glycine.

Literature cited by the submitters: PubMed 21520333.

NM_000059.4(BRCA2):c.7508T>G (p.Val2503Gly)

Gene: BRCA2 (BRCA2 DNA repair associated; plus strand). Cytogenetic location: 13q13.1.
Variant type: single nucleotide variant.
Coding change: c.7508T>G on transcript NM_000059.4 (MANE Select); coding-DNA position 7508, T replaced by G.
Protein change: p.Val2503Gly; replaces valine 2503 with glycine.
Molecular consequence: missense variant.
Genome position (GRCh38, 1-based): chr13:32,356,500, T>G. VCF-style: chr13-32356500-T-G. GRCh37 (hg19) VCF-style: chr13-32930637-T-G.
Other names: short protein forms V2503G.
Identifiers: ClinVar variation 462442 (VCV000462442.9), dbSNP rs786203292, ClinGen allele CA387743453.